The following is an entry in ClinVar:

ClinVar aggregate classification (germline): Uncertain significance (1 of 4 stars; one submission).

Conditions:
COG5-congenital disorder of glycosylation. Also called: CONGENITAL DISORDER OF GLYCOSYLATION, TYPE IIi; CDG IIi; COG5-CDG. Identifiers: Orphanet 263487, MedGen C3150876, MONDO:0013325, OMIM 613612.

gnomAD v4.1: 1 of 1,561,598 alleles (0.000064%); highest among the groups gnomAD compares: East Asian, 0.0023%; no homozygotes.

Submission:

Labcorp Genetics (formerly Invitae), Labcorp
Classification: Uncertain significance for COG5-congenital disorder of glycosylation. Last evaluated: 2022-07-06. Review status: criteria provided, single submitter. Criteria: Invitae Variant Classification Sherloc (09022015). Collection method: clinical testing. Allele origin: germline.
Comment: Algorithms developed to predict the effect of missense changes on protein structure and function (SIFT, PolyPhen-2, Align-GVGD) all suggest that this variant is likely to be tolerated. This variant has not been reported in the literature in individuals affected with COG5-related conditions. This variant is not present in population databases (gnomAD no frequency). This sequence change replaces aspartic acid, which is acidic and polar, with asparagine, which is neutral and polar, at codon 467 of the COG5 protein (p.Asp467Asn). In summary, the available evidence is currently insufficient to determine the role of this variant in disease. Therefore, it has been classified as a Variant of Uncertain Significance.

NM_006348.5(COG5):c.1306G>A (p.Asp436Asn)

Gene: COG5 (component of oligomeric golgi complex 5; minus strand). Cytogenetic location: 7q22.3.
Variant type: single nucleotide variant.
Coding change: c.1306G>A on transcript NM_006348.5 (MANE Select); coding-DNA position 1306, G replaced by A.
Protein change: p.Asp436Asn; replaces aspartic acid 436 with asparagine.
Molecular consequence: missense variant.
Genome position (GRCh38, 1-based): chr7:107,298,149, C>T on the plus strand (G>A on the coding strand, the complement: COG5 is on the minus strand). VCF-style: chr7-107298149-C-T. GRCh37 (hg19) VCF-style: chr7-106938594-C-T.
Other names: c.1306G>A, p.Asp436Asn (NM_001161520.2, NM_001379511.1, NM_001379512.1 and 3 more transcripts); c.736G>A, p.Asp246Asn (NM_001379515.1); c.592G>A, p.Asp198Asn (NM_001379516.1); short protein forms D246N, D436N, D198N.
Identifiers: ClinVar variation 2047136 (VCV002047136.4), dbSNP rs2536185348, ClinGen allele CA368938394.